The following is an entry in ClinVar:

ClinVar aggregate classification (germline): Likely pathogenic (1 of 4 stars; one submission).

Conditions:
Tyrosinemia type II (TYRSN2). Also called: KERATOSIS PALMOPLANTARIS WITH CORNEAL DYSTROPHY; OREGON TYPE TYROSINEMIA; TAT DEFICIENCY; TYROSINE AMINOTRANSFERASE DEFICIENCY; TYROSINE TRANSAMINASE DEFICIENCY. Identifiers: Orphanet 28378, MedGen C0268487, MONDO:0010160, OMIM 276600.

Submission:

Myriad Genetics, Inc.
Classification: Likely pathogenic for Tyrosinemia type II. Last evaluated: 2022-01-02. Review status: criteria provided, single submitter. Criteria: Myriad Women's Health Autosomal Recessive and X-Linked Classification Criteria (2021). Collection method: clinical testing. Allele origin: unknown.
Comment: NM_000353.2(TAT):c.8dupC(Y4Ifs*89) is expected to be pathogenic in the context of tyrosinemia type II. This variant is predicted to lead to an abnormal or absent protein product due to the creation of a premature termination codon in TAT, a gene where loss-of-function variants are known to be pathogenic. Please note: this variant was assessed in the context of healthy population screening.

NM_000353.3(TAT):c.8dup (p.Tyr4fs)

Gene: TAT (tyrosine aminotransferase; minus strand). Cytogenetic location: 16q22.2.
Variant type: Duplication.
Coding change: c.8dup on transcript NM_000353.3 (MANE Select); coding-DNA position 8, one base duplicated (C; older notation c.8dupC).
Protein change: p.Tyr4fs; shifts the reading frame from tyrosine 4.
Molecular consequence: frameshift variant.
Genome position (GRCh38, 1-based): chr16:71,576,408, G duplicated on the plus strand (C on the coding strand, the reverse complement: TAT is on the minus strand); the first of 3 consecutive G bases (chr16:71,576,408-71,576,410); duplicating any one gives the same sequence. VCF-style (leftmost placement, unchanged base first): chr16-71576407-T-TG. GRCh37 (hg19) VCF-style: chr16-71610310-T-TG.
Other names: short protein forms Y4fs.
Identifiers: ClinVar variation 1726828 (VCV001726828.2), dbSNP rs2507673107, ClinGen allele CA2580091965.